The following is an entry in ClinVar:

NM_032444.4(SLX4):c.3142T>A (p.Ser1048Thr)

Gene: SLX4 (SLX4 structure-specific endonuclease subunit; minus strand). Cytogenetic location: 16p13.3.
Variant type: single nucleotide variant.
Coding change: c.3142T>A on transcript NM_032444.4 (MANE Select); coding-DNA position 3142, T replaced by A.
Protein change: p.Ser1048Thr; replaces serine 1048 with threonine.
Molecular consequence: missense variant.
Genome position (GRCh38, 1-based): chr16:3,590,496, A>T on the plus strand (T>A on the coding strand, the complement: SLX4 is on the minus strand). VCF-style: chr16-3590496-A-T. GRCh37 (hg19) VCF-style: chr16-3640497-A-T.
Other names: short protein forms S1048T.
Identifiers: ClinVar variation 1913113 (VCV001913113.4), dbSNP rs774813757, ClinGen allele CA394521818.

ClinVar aggregate classification (germline): Uncertain significance (1 of 4 stars; one submission).

Conditions:
Fanconi anemia (FA). Also called: Fanconi's anemia. Identifiers: Orphanet 84, MedGen C0015625, MeSH D005199, MONDO:0019391.

Submission:

Labcorp Genetics (formerly Invitae), Labcorp
Classification: Uncertain significance for Fanconi anemia. Last evaluated: 2022-05-26. Review status: criteria provided, single submitter. Criteria: Invitae Variant Classification Sherloc (09022015). Collection method: clinical testing. Allele origin: germline.
Comment: In summary, the available evidence is currently insufficient to determine the role of this variant in disease. Therefore, it has been classified as a Variant of Uncertain Significance. Algorithms developed to predict the effect of missense changes on protein structure and function (SIFT, PolyPhen-2, Align-GVGD) all suggest that this variant is likely to be tolerated. This variant has not been reported in the literature in individuals affected with SLX4-related conditions. This variant is not present in population databases (gnomAD no frequency). This sequence change replaces serine, which is neutral and polar, with threonine, which is neutral and polar, at codon 1048 of the SLX4 protein (p.Ser1048Thr).